The following is an entry in ClinVar:

ClinVar aggregate classification (germline): Uncertain significance (1 of 4 stars; one submission).

Submission:

Labcorp Genetics (formerly Invitae), Labcorp
Classification: Uncertain significance. Last evaluated: 2020-10-31. Review status: criteria provided, single submitter. Criteria: Invitae Variant Classification Sherloc (09022015). Collection method: clinical testing. Allele origin: germline.
Comment: Algorithms developed to predict the effect of missense changes on protein structure and function are either unavailable or do not agree on the potential impact of this missense change (SIFT: "Tolerated"; PolyPhen-2: "Probably Damaging"; Align-GVGD: "Class C0"). In summary, the available evidence is currently insufficient to determine the role of this variant in disease. Therefore, it has been classified as a Variant of Uncertain Significance. This variant has not been reported in the literature in individuals with DGKZ-related conditions. This variant is not present in population databases (ExAC no frequency). This sequence change replaces phenylalanine with leucine at codon 636 of the DGKZ protein (p.Phe636Leu). The phenylalanine residue is highly conserved and there is a small physicochemical difference between phenylalanine and leucine.

NM_001199267.2(DGKZ):c.1339T>C (p.Phe447Leu)

Gene: DGKZ (diacylglycerol kinase zeta; plus strand). Cytogenetic location: 11p11.2.
Variant type: single nucleotide variant.
Coding change: c.1339T>C on transcript NM_001199267.2 (MANE Select); coding-DNA position 1339, T replaced by C.
Protein change: p.Phe447Leu; replaces phenylalanine 447 with leucine.
Molecular consequence: missense variant.
Genome position (GRCh38, 1-based): chr11:46,374,172, T>C. VCF-style: chr11-46374172-T-C. GRCh37 (hg19) VCF-style: chr11-46395722-T-C.
Other names: c.1906T>C, p.Phe636Leu (NM_001105540.2); c.1342T>C, p.Phe448Leu (NM_001199266.2, NM_003646.4); c.1273T>C, p.Phe425Leu (NM_001199268.2); c.1390T>C, p.Phe464Leu (NM_201532.3); c.1354T>C, p.Phe452Leu (NM_201533.3); short protein forms F448L, F636L, F452L, F464L, F425L, F447L.
Identifiers: ClinVar variation 1524298 (VCV001524298.8), dbSNP rs2136495326, ClinGen allele CA380222048.